The following is an entry in ClinVar:

NM_006206.6(PDGFRA):c.3008G>A (p.Trp1003Ter)

Gene: PDGFRA (platelet derived growth factor receptor alpha; plus strand). Cytogenetic location: 4q12.
Variant type: single nucleotide variant.
Coding change: c.3008G>A on transcript NM_006206.6 (MANE Select); coding-DNA position 3008, G replaced by A.
Protein change: p.Trp1003Ter; replaces tryptophan 1003 with a stop codon.
Molecular consequence: nonsense.
Genome position (GRCh38, 1-based): chr4:54,290,440, G>A. VCF-style: chr4-54290440-G-A. GRCh37 (hg19) VCF-style: chr4-55156607-G-A.
Other names: c.3083G>A, p.Trp1028Ter (NM_001347828.2); c.3008G>A, p.Trp1003Ter (NM_001347829.2); c.3047G>A, p.Trp1016Ter (NM_001347830.2); short protein forms W1003*, W1016*, W1028*.
Identifiers: ClinVar variation 2010761 (VCV002010761.4), dbSNP rs2475565766, ClinGen allele CA356896177.

ClinVar aggregate classification (germline): Uncertain significance (1 of 4 stars; one submission).

Conditions:
Gastrointestinal stromal tumor. Also called: Gastrointestinal stroma tumor; Gastrointestinal stromal tumor, somatic. Identifiers: Orphanet 44890, MedGen C0238198, MeSH D046152, MONDO:0011719, OMIM 606764, HP:0100723.

Allele frequency attached by ClinVar (database versions not stated): gnomAD exomes below 0.00001.
gnomAD v4.1: 5 of 1,614,078 alleles (0.00031%); highest among the groups gnomAD compares: Non-Finnish European, 0.00034%; no homozygotes.

Submission:

Labcorp Genetics (formerly Invitae), Labcorp
Classification: Uncertain significance for Gastrointestinal stromal tumor. Last evaluated: 2022-06-26. Review status: criteria provided, single submitter. Criteria: Invitae Variant Classification Sherloc (09022015). Collection method: clinical testing. Allele origin: germline.
Comment: This sequence change creates a premature translational stop signal (p.Trp1003*) in the PDGFRA gene. It is expected to result in an absent or disrupted protein product. However, the current clinical and genetic evidence is not sufficient to establish whether loss-of-function variants in PDGFRA cause disease. This variant is not present in population databases (gnomAD no frequency). This variant has not been reported in the literature in individuals affected with PDGFRA-related conditions. In summary, the available evidence is currently insufficient to determine the role of this variant in disease. Therefore, it has been classified as a Variant of Uncertain Significance.